The following is an entry in ClinVar:

ClinVar aggregate classification (germline): Uncertain significance (1 of 4 stars; one submission).

Allele frequency attached by ClinVar (database versions not stated): gnomAD exomes below 0.00001.
gnomAD v4.1: 2 of 1,609,862 alleles (0.00012%); highest among the groups gnomAD compares: African/African-American, 0.0027%; no homozygotes.

Submission:

Labcorp Genetics (formerly Invitae), Labcorp
Classification: Uncertain significance. Last evaluated: 2021-03-10. Review status: criteria provided, single submitter. Criteria: Invitae Variant Classification Sherloc (09022015). Collection method: clinical testing. Allele origin: germline.
Comment: Algorithms developed to predict the effect of missense changes on protein structure and function output the following: SIFT: "Tolerated"; PolyPhen-2: "Benign"; Align-GVGD: "Class C0". The alanine amino acid residue is found in multiple mammalian species, suggesting that this missense change does not adversely affect protein function. These predictions have not been confirmed by published functional studies and their clinical significance is uncertain. This sequence change replaces valine with alanine at codon 130 of the TNNI3K protein (p.Val130Ala). The valine residue is highly conserved and there is a small physicochemical difference between valine and alanine. This variant is not present in population databases (ExAC no frequency). This variant has not been reported in the literature in individuals with TNNI3K-related conditions. In summary, the available evidence is currently insufficient to determine the role of this variant in disease. Therefore, it has been classified as a Variant of Uncertain Significance.

NM_015978.3(TNNI3K):c.389T>C (p.Val130Ala)

Genes: FPGT-TNNI3K (FPGT-TNNI3K readthrough; plus strand), TNNI3K (TNNI3 interacting kinase; plus strand). Cytogenetic location: 1p31.1.
Variant type: single nucleotide variant.
Coding change: c.389T>C on transcript NM_015978.3 (MANE Select); coding-DNA position 389, T replaced by C.
Protein change: p.Val130Ala; replaces valine 130 with alanine.
Molecular consequence: missense variant.
Genome position (GRCh38, 1-based): chr1:74,271,653, T>C. VCF-style: chr1-74271653-T-C. GRCh37 (hg19) VCF-style: chr1-74737337-T-C.
Other names: c.692T>C, p.Val231Ala (NM_001112808.3, NM_001199327.2); short protein forms V130A, V231A.
Identifiers: ClinVar variation 1476614 (VCV001476614.8), dbSNP rs1656357338, ClinGen allele CA340780738.